The following is an entry in ClinVar:

ClinVar aggregate classification (germline): Uncertain significance (1 of 4 stars; one submission).

Submission:

Ambry Genetics
Classification: Uncertain significance. Last evaluated: 2021-09-13. Review status: criteria provided, single submitter. Criteria: Ambry Variant Classification Scheme 2023. Collection method: clinical testing. Allele origin: germline.
Comment: The p.P762Q variant (also known as c.2285C>A), located in coding exon 19 of the BUB1 gene, results from a C to A substitution at nucleotide position 2285. The proline at codon 762 is replaced by glutamine, an amino acid with similar properties. This amino acid position is conserved. In addition, this alteration is predicted to be tolerated by in silico analysis. Since supporting evidence is limited at this time, the clinical significance of this alteration remains unclear.

NM_004336.5(BUB1):c.2285C>A (p.Pro762Gln)

Gene: BUB1 (BUB1 mitotic checkpoint serine/threonine kinase; minus strand). Cytogenetic location: 2q13.
Variant type: single nucleotide variant.
Coding change: c.2285C>A on transcript NM_004336.5 (MANE Select); coding-DNA position 2285, C replaced by A.
Protein change: p.Pro762Gln; replaces proline 762 with glutamine.
Molecular consequence: missense variant.
Genome position (GRCh38, 1-based): chr2:110,649,296, G>T on the plus strand (C>A on the coding strand, the complement: BUB1 is on the minus strand). VCF-style: chr2-110649296-G-T. GRCh37 (hg19) VCF-style: chr2-111406873-G-T.
Other names: c.2225C>A, p.Pro742Gln (NM_001278616.2); c.2285C>A, p.Pro762Gln (NM_001278617.2); short protein forms P742Q, P762Q.
Identifiers: ClinVar variation 1789001 (VCV001789001.2), dbSNP rs2467987262, ClinGen allele CA348209490.